The following is an entry in ClinVar:

NM_024675.4(PALB2):c.3553T>G (p.Tyr1185Asp)

Gene: PALB2 (partner and localizer of BRCA2; minus strand). Cytogenetic location: 16p12.2.
Variant type: single nucleotide variant.
Coding change: c.3553T>G on transcript NM_024675.4 (MANE Select); coding-DNA position 3553, T replaced by G.
Protein change: p.Tyr1185Asp; replaces tyrosine 1185 with aspartic acid.
Molecular consequence: missense variant.
Genome position (GRCh38, 1-based): chr16:23,603,467, A>C on the plus strand (T>G on the coding strand, the complement: PALB2 is on the minus strand). VCF-style: chr16-23603467-A-C. GRCh37 (hg19) VCF-style: chr16-23614788-A-C.
Other names: short protein forms Y1185D.
Identifiers: ClinVar variation 496467 (VCV000496467.17), dbSNP rs878855120, ClinGen allele CA395137616.

ClinVar aggregate classification (germline): Uncertain significance. Review status: criteria provided, multiple submitters, no conflicts (2 of 4 stars). 3 submissions from 3 submitters: Uncertain significance (3). Last evaluated 2025-08-20.

Conditions:
PALB2-related cancer predisposition. Identifiers: MedGen CN377761, MONDO:0700272.
Hereditary cancer-predisposing syndrome. Also called: Tumor predisposition; Neoplastic Syndromes, Hereditary; Hereditary neoplastic syndrome; Hereditary Cancer Syndrome. Identifiers: Orphanet 140162, MedGen C0027672, MeSH D009386, MONDO:0015356.
Familial cancer of breast. Also called: Hereditary breast cancer; hereditary breast carcinoma; BREAST CANCER, FAMILIAL. Identifiers: Orphanet 227535, MedGen C0346153, MONDO:0016419, OMIM 114480. Disease mechanism: loss of function.

gnomAD v4.1: 1 of 1,611,694 alleles (0.000062%); highest among the groups gnomAD compares: Non-Finnish European, 0.000085%; no homozygotes.

Submissions (3):

Ambry Genetics
Classification: Uncertain significance for Hereditary cancer-predisposing syndrome. Last evaluated: 2025-08-20. Review status: criteria provided, single submitter. Criteria: Ambry Variant Classification Scheme 2023. Collection method: clinical testing. Allele origin: germline.
Comment: The p.Y1185D variant (also known as c.3553T>G), located in coding exon 13 of the PALB2 gene, results from a T to G substitution at nucleotide position 3553. The tyrosine at codon 1185 is replaced by aspartic acid, an amino acid with highly dissimilar properties. This amino acid position is not well conserved in available vertebrate species. In addition, this alteration is predicted to be tolerated by in silico analysis. Since supporting evidence is limited at this time, the clinical significance of this alteration remains unclear.

Labcorp Genetics (formerly Invitae), Labcorp
Classification: Uncertain significance for Familial cancer of breast. Last evaluated: 2020-02-14. Review status: criteria provided, single submitter. Criteria: Invitae Variant Classification Sherloc (09022015). Collection method: clinical testing. Allele origin: germline.
Comment: This sequence change replaces tyrosine with aspartic acid at codon 1185 of the PALB2 protein (p.Tyr1185Asp). The tyrosine residue is highly conserved and there is a large physicochemical difference between tyrosine and aspartic acid. This variant is not present in population databases (ExAC no frequency). This variant has not been reported in the literature in individuals with PALB2-related disease. Algorithms developed to predict the effect of missense changes on protein structure and function do not agree on the potential impact of this missense change (SIFT: "Deleterious"; PolyPhen-2: "Probably Damaging"; Align-GVGD: "Class C15"). In summary, the available evidence is currently insufficient to determine the role of this variant in disease. Therefore, it has been classified as a Variant of Uncertain Significance.

Women's Health and Genetics/Laboratory Corporation of America, LabCorp
Classification: Uncertain significance. Last evaluated: 2019-11-05. Review status: criteria provided, single submitter. Criteria: LabCorp Variant Classification Summary - May 2015. Collection method: clinical testing. Allele origin: germline.
Comment: Variant summary: PALB2 c.3553T>G (p.Tyr1185Asp) results in a non-conservative amino acid change located in the WD40 domain (IPR031920)of the encoded protein sequence. Three of five in-silico tools predict a damaging effect of the variant on protein function. The variant was absent in 251414 control chromosomes (gnomAD). The available data on variant occurrences in the general population are insufficient to allow any conclusion about variant significance. To our knowledge, no occurrence of c.3553T>G in individuals affected with Hereditary Breast and Ovarian Cancer and no experimental evidence demonstrating its impact on protein function have been reported. One other ClinVar submitter (evaluation after 2014) cites the variant as uncertain significance. Based on the evidence outlined above, the variant was classified as uncertain significance.